The following is an entry in ClinVar:

ClinVar aggregate classification (germline): Pathogenic. Review status: criteria provided, multiple submitters, no conflicts (2 of 4 stars). 4 submissions from 4 submitters: Pathogenic (4). Last evaluated 2024-12-24.

Conditions:
Griscelli syndrome. Identifiers: Orphanet 381, MedGen C0398794, MONDO:0018306.
Griscelli syndrome type 2 (GS2). Also called: GRISCELLI SYNDROME WITH HEMOPHAGOCYTIC SYNDROME; PAID SYNDROME; PARTIAL ALBINISM AND IMMUNODEFICIENCY SYNDROME. Identifiers: Orphanet 381, Orphanet 79477, MedGen C1868679, MONDO:0011872, OMIM 607624.

Allele frequency attached by ClinVar (database versions not stated): gnomAD 0.00001; gnomAD exomes 0.00001 and 0.00002; TOPMed 0.00001; ExAC 0.00002.

Submissions (4):

Labcorp Genetics (formerly Invitae), Labcorp
Classification: Pathogenic for Griscelli syndrome type 2. Last evaluated: 2024-12-24. Review status: criteria provided, single submitter. Criteria: Invitae Variant Classification Sherloc (09022015). Collection method: clinical testing. Allele origin: germline.
Comment: This sequence change creates a premature translational stop signal (p.Arg50Lysfs*35) in the RAB27A gene. It is expected to result in an absent or disrupted protein product. Loss-of-function variants in RAB27A are known to be pathogenic (PMID: 10835631, 23160464). This variant is present in population databases (rs770601673, gnomAD 0.004%). This premature translational stop signal has been observed in individual(s) with Griscelli syndrome (PMID: 10835631, 12148598). ClinVar contains an entry for this variant (Variation ID: 504894). For these reasons, this variant has been classified as Pathogenic.

Genomic Medicine Center of Excellence, King Faisal Specialist Hospital and Research Centre
Classification: Pathogenic for Griscelli syndrome type 2. Last evaluated: 2024-10-13. Review status: criteria provided, single submitter. Criteria: ACMG Guidelines, 2015. Collection method: clinical testing. Allele origin: germline.
Comment: This sequence change creates a premature translational stop signal (GRCh38; NM_183236.3:c.149del:p.Arg50LysfsTer35) in the RAB27A protein. This alteration is expected to result in loss of function by premature termination codon resulting in protein truncation, or nonsense-mediated mRNA decay. This alteration is interpreted as disease-causing mutation, a commonly known mechanism for disease. Not observed at significant frequency in large population cohorts (gnomAD). This variant has a strong Conservation score. ClinVar contains an entry for this variant (Variation ID: 504894). This variant is associated with the following publications: PubMed: 12148598, 10835631, 23160464, 16551969, 18350256, 19953648, 26684649 In summary, this variant meets our criteria for classification as pathogenic based on the evidence outlined.

Fulgent Genetics
Classification: Pathogenic for Griscelli syndrome type 2. Last evaluated: 2022-05-25. Review status: criteria provided, single submitter. Criteria: ACMG Guidelines, 2015. Collection method: clinical testing. Allele origin: unknown.

Laboratory for Molecular Medicine, Mass General Brigham Personalized Medicine
Classification: Pathogenic for Griscelli syndrome. Last evaluated: 2016-02-23. Review status: criteria provided, single submitter. Criteria: LMM Criteria. Collection method: clinical testing. Allele origin: germline. Inheritance: Autosomal recessive inheritance. Observed: 1 variant allele.
Comment: The p.Arg50LysfsX35 variant in RAB27A has been reported in 4 individuals with Gr iscelli syndrome type 2 in the homozygous state (Menasche 2000). This variant ha s also been identified in 2/66,636 European chromosomes by the Exome Aggregation Consortium (ExAC). Although this variant has be en seen in the general population, its frequency is low enough to be consistent with a recessive carrier frequency. The p.Arg50LysfsX35 variant is predicted to cause a frameshift, which alters the protein?s amino acid sequence beginning at position 50 and leads to a premature termination codon 35 amino acids downstream . This alteration is then predicted to lead to a truncated or absent protein. In summary, this variant meets our criteria to be classified as pathogenic for Gri scelli syndrome type 2 in an autosomal recessive manner based upon case studies, low population frequency and functional prediction.

Literature cited by the submitters: PubMed 10835631 (cited by Labcorp Genetics (formerly Invitae), Labcorp and Laboratory for Molecular Medicine, Mass General Brigham Personalized Medicine); PubMed 23160464 (cited by Labcorp Genetics (formerly Invitae), Labcorp); PubMed 12148598 (cited by Labcorp Genetics (formerly Invitae), Labcorp); PubMed 26684649 (cited by Laboratory for Molecular Medicine, Mass General Brigham Personalized Medicine); PubMed 19953648 (cited by Laboratory for Molecular Medicine, Mass General Brigham Personalized Medicine); PubMed 18350256 (cited by Laboratory for Molecular Medicine, Mass General Brigham Personalized Medicine); PubMed 16551969 (cited by Laboratory for Molecular Medicine, Mass General Brigham Personalized Medicine).

NM_183235.3(RAB27A):c.149del (p.Arg50fs)

Gene: RAB27A (RAB27A, member RAS oncogene family; minus strand). Cytogenetic location: 15q21.3.
Variant type: Deletion.
Coding change: c.149del on transcript NM_183235.3 (MANE Select); coding-DNA position 149, one base deleted (G; older notation c.149delG).
Protein change: p.Arg50fs; shifts the reading frame from arginine 50.
Molecular consequence: frameshift variant.
Genome position (GRCh38, 1-based): chr15:55,234,786, C deleted on the plus strand (G on the coding strand, the reverse complement: RAB27A is on the minus strand). VCF-style (leftmost placement, unchanged base first): chr15-55234785-TC-T. GRCh37 (hg19) VCF-style: chr15-55526983-TC-T.
Other names: c.149del, p.Arg50fs (NM_004580.5, NM_183236.3); c.149delG, p.Arg50Lysfs (NM_183234.3); short protein forms R50fs.
Identifiers: ClinVar variation 504894 (VCV000504894.15), dbSNP rs770601673, ClinGen allele CA7573699.
Genomic context (GRCh38, chr15:55,234,785, plus strand): 5'-GACCAGCAAATGTTGACTTAACGATTACATTTTTACATAGAAGGATATAGAACTTACCAC[TC>T]TTTTTTCCCTGAAATCAATGCCCACTGTTGTGATAAATTTGGAGTTAAATTTACCATCTG-3'